The following is an entry in ClinVar:

ClinVar aggregate classification (germline): Benign. Review status: criteria provided, multiple submitters, no conflicts (2 of 4 stars). 3 submissions from 3 submitters: Benign (3). Last evaluated 2018-07-21.

Conditions:
Cataract 18 (CATC2). Also called: CATARACT 18, AUTOSOMAL RECESSIVE. Identifiers: Orphanet 91492, Orphanet 98991, Orphanet 98992, Orphanet 98995, MedGen C1864908, MONDO:0012395, OMIM 610019.

Allele frequency attached by ClinVar (database versions not stated): gnomAD exomes 0.00266; gnomAD 0.01778 and 0.01912; TOPMed 0.02064; 1000 Genomes Project 0.02336; 1000 Genomes Project 30x 0.02420.
gnomAD v4.1: 4,000 of 612,342 alleles (0.65%); highest among the groups gnomAD compares: African/African-American, 5.9%; 108 homozygotes.

Submissions (3):

GeneDx
Classification: Benign. Last evaluated: 2018-07-21. Review status: criteria provided, single submitter. Criteria: GeneDx Variant Classification Process June 2021. Collection method: clinical testing. Allele origin: germline. Affected: yes.

Illumina Laboratory Services, Illumina
Classification: Benign for Cataract 18. Last evaluated: 2018-01-12. Review status: criteria provided, single submitter. Criteria: ICSL Variant Classification Criteria 13 December 2019. Collection method: clinical testing. Allele origin: germline.
Comment: This variant was observed in the ICSL laboratory as part of a predisposition screen in an ostensibly healthy population. It had not been previously curated by ICSL or reported in the Human Gene Mutation Database (HGMD: prior to June 1st, 2018), and was therefore a candidate for classification through an automated scoring system. Utilizing variant allele frequency, disease prevalence and penetrance estimates, and inheritance mode, an automated score was calculated to assess if this variant is too frequent to cause the disease. Based on the score and internal cut-off values, a variant classified as benign is not then subjected to further curation. The score for this variant resulted in a classification of benign for this disease.

Breakthrough Genomics
Classification: Benign. Review status: criteria provided, single submitter. Criteria: ACMG Guidelines, 2015. Collection method: not provided. Allele origin: germline. Inheritance: Autosomal recessive inheritance. Affected: yes.

NM_024513.4(FYCO1):c.*191G>A

Gene: FYCO1 (FYVE and coiled-coil domain autophagy adaptor 1; minus strand). Cytogenetic location: 3p21.31.
Variant type: single nucleotide variant.
Coding change: c.*191G>A on transcript NM_024513.4 (MANE Select); 191 bases downstream of the stop codon, G replaced by A.
Molecular consequence: 3 prime UTR variant.
Genome position (GRCh38, 1-based): chr3:45,921,574, C>T on the plus strand (G>A on the coding strand, the complement: FYCO1 is on the minus strand). VCF-style: chr3-45921574-C-T. GRCh37 (hg19) VCF-style: chr3-45963066-C-T.
Identifiers: ClinVar variation 345489 (VCV000345489.7), dbSNP rs111480321, ClinGen allele CA10616047.
Genomic context (GRCh38, chr3:45,921,574, plus strand): 5'-TTTGGGTGTGACAACAGCTGAGTCTCTACTTAATGGAAACATTGCCTGAGCCCTTCAACG[C>T]CTCGGGGGCTAAGAGTGGCCGGTGCAGAGTGCTGAGCACAAAGTCCTCCCCAGACACCGC-3'